The following is an entry in ClinVar:

ClinVar aggregate classification (germline): Likely benign. Review status: criteria provided, multiple submitters, no conflicts (2 of 4 stars). 2 submissions from 2 submitters: Likely benign (2). Last evaluated 2018-06-14.

Allele frequency attached by ClinVar (database versions not stated): gnomAD exomes 0.00103; gnomAD 0.00979 and 0.01049; 1000 Genomes Project 0.01018; 1000 Genomes Project 30x 0.01046; TOPMed 0.01115.
gnomAD v4.1: 2,701 of 1,288,538 alleles (0.21%); highest among the groups gnomAD compares: African/African-American, 3.6%; 47 homozygotes.

Submissions (2):

GeneDx
Classification: Likely benign. Last evaluated: 2018-06-14. Review status: criteria provided, single submitter. Criteria: GeneDx Variant Classification (06012015). Collection method: clinical testing. Allele origin: germline. Affected: yes.
Comment: This variant is considered likely benign or benign based on one or more of the following criteria: it is a conservative change, it occurs at a poorly conserved position in the protein, it is predicted to be benign by multiple in silico algorithms, and/or has population frequency not consistent with disease.

Breakthrough Genomics
Classification: Likely benign. Review status: criteria provided, single submitter. Criteria: ACMG Guidelines, 2015. Collection method: not provided. Allele origin: germline. Inheritance: Autosomal recessive inheritance. Affected: yes.

NM_000387.6(SLC25A20):c.106-61A>G

Gene: SLC25A20 (solute carrier family 25 member 20; minus strand). Cytogenetic location: 3p21.31.
Variant type: single nucleotide variant.
Coding change: c.106-61A>G on transcript NM_000387.6 (MANE Select); 61 bases into the intron before coding-DNA position 106, A replaced by G.
Molecular consequence: intron variant.
Genome position (GRCh38, 1-based): chr3:48,892,133, T>C on the plus strand (A>G on the coding strand, the complement: SLC25A20 is on the minus strand). VCF-style: chr3-48892133-T-C. GRCh37 (hg19) VCF-style: chr3-48929566-T-C.
Identifiers: ClinVar variation 676330 (VCV000676330.2), dbSNP rs114679493, ClinGen allele CA73998570.